The following is an entry in ClinVar:

NM_144997.7(FLCN):c.1301A>C (p.Glu434Ala)

Gene: FLCN (folliculin; minus strand). Cytogenetic location: 17p11.2.
Variant type: single nucleotide variant.
Coding change: c.1301A>C on transcript NM_144997.7 (MANE Select); coding-DNA position 1301, A replaced by C.
Protein change: p.Glu434Ala; replaces glutamic acid 434 with alanine.
Molecular consequence: missense variant.
Genome position (GRCh38, 1-based): chr17:17,215,316, T>G on the plus strand (A>C on the coding strand, the complement: FLCN is on the minus strand). VCF-style: chr17-17215316-T-G. GRCh37 (hg19) VCF-style: chr17-17118630-T-G.
Other names: c.1355A>C, p.Glu452Ala (NM_001353229.2); c.1301A>C, p.Glu434Ala (NM_001353230.2, NM_001353231.2); short protein forms E434A, E452A.
Identifiers: ClinVar variation 4697291 (VCV004697291.1).

ClinVar aggregate classification (germline): Uncertain significance (1 of 4 stars; one submission).

Conditions:
Birt-Hogg-Dube syndrome. Also called: Birt Hogg Dubé syndrome. Identifiers: Orphanet 122, MedGen C0346010, MONDO:0800444.

Submission:

Labcorp Genetics (formerly Invitae), Labcorp
Classification: Uncertain significance for Birt-Hogg-Dube syndrome. Last evaluated: 2025-02-12. Review status: criteria provided, single submitter. Criteria: Invitae Variant Classification Sherloc (09022015). Collection method: clinical testing. Allele origin: germline.
Comment: This sequence change replaces glutamic acid, which is acidic and polar, with alanine, which is neutral and non-polar, at codon 434 of the FLCN protein (p.Glu434Ala). This variant is not present in population databases (gnomAD no frequency). This variant has not been reported in the literature in individuals affected with FLCN-related conditions. An algorithm developed to predict the effect of missense changes on protein structure and function (PolyPhen-2) suggests that this variant is likely to be disruptive. In summary, the available evidence is currently insufficient to determine the role of this variant in disease. Therefore, it has been classified as a Variant of Uncertain Significance.